The following is an entry in ClinVar:

ClinVar aggregate classification (germline): Pathogenic (1 of 4 stars; one submission).

Submission:

ISCA Site 6
Classification: Pathogenic. Last evaluated: 2011-08-12. Review status: criteria provided, single submitter. Criteria: Kaminsky et al. (Genet Med. 2011). Collection method: clinical testing. Allele origin: maternal. Affected: yes. Observed: 1 variant allele.
Comment: Copy number variation identified through the course of routine clinical cytogenomic testing in postnatal populations. Clinical assertions have been curated as described in Kaminsky et al. 2011.

GRCh38/hg38 1q21.1-21.2(chr1:147029419-148167468)x1

Genes: ACP6 (acid phosphatase 6, lysophosphatidic; minus strand), BCL9 (BCL9 transcription coactivator; plus strand), CHD1L (chromodomain helicase DNA binding protein 1 like; plus strand), FMO5 (flavin containing dimethylaniline monoxygenase 5; minus strand), GJA5 (gap junction protein alpha 5; minus strand) and 33 more. Cytogenetic location: 1q21.1-21.2.
Variant type: copy number loss.
Change: copy number 1 (one copy instead of two) of chr1:147,029,419-148,167,468 (1.14 Mb, GRCh38 coordinates, 1-based), cytogenetic band 1q21.1-21.2.
Identifiers: ClinVar variation 58530 (VCV000058530.2).